The following is an entry in ClinVar:

NM_001378454.1(ALMS1):c.2566A>G (p.Thr856Ala)

Gene: ALMS1 (ALMS1 centrosome and basal body associated protein; plus strand). Cytogenetic location: 2p13.1.
Variant type: single nucleotide variant.
Coding change: c.2566A>G on transcript NM_001378454.1 (MANE Select); coding-DNA position 2566, A replaced by G.
Protein change: p.Thr856Ala; replaces threonine 856 with alanine.
Molecular consequence: missense variant.
Genome position (GRCh38, 1-based): chr2:73,449,093, A>G. VCF-style: chr2-73449093-A-G. GRCh37 (hg19) VCF-style: chr2-73676220-A-G.
Other names: c.2569A>G, p.Thr857Ala (NM_015120.4); short protein forms T857A, T856A.
Identifiers: ClinVar variation 1793189 (VCV001793189.5), dbSNP rs1286928722, ClinGen allele CA347270554.

ClinVar aggregate classification (germline): Conflicting classifications of pathogenicity. Review status: criteria provided, conflicting classifications (1 of 4 stars). 2 submissions from 2 submitters: Uncertain significance (1); Likely benign (1). Last evaluated 2024-12-05.

Conditions:
Alstrom syndrome (ALMS). Identifiers: Orphanet 64, MedGen C0268425, MONDO:0008763, OMIM 203800.
Cardiovascular phenotype. Identifiers: MedGen CN230736.

Allele frequency attached by ClinVar (database versions not stated): TOPMed below 0.00001; gnomAD 0.00001.
gnomAD v4.1: 2 of 1,613,950 alleles (0.00012%); highest among the groups gnomAD compares: African/African-American, 0.0027%; no homozygotes.

Submissions (2):

Ambry Genetics
Classification: Likely benign for Cardiovascular phenotype. Last evaluated: 2024-12-05. Review status: criteria provided, single submitter. Criteria: Ambry Variant Classification Scheme 2023. Collection method: clinical testing. Allele origin: germline.

Labcorp Genetics (formerly Invitae), Labcorp
Classification: Uncertain significance for Alstrom syndrome. Last evaluated: 2022-06-07. Review status: criteria provided, single submitter. Criteria: Invitae Variant Classification Sherloc (09022015). Collection method: clinical testing. Allele origin: germline.
Comment: This sequence change replaces threonine, which is neutral and polar, with alanine, which is neutral and non-polar, at codon 857 of the ALMS1 protein (p.Thr857Ala). This variant is present in population databases (no rsID available, gnomAD 0.03%). This variant has not been reported in the literature in individuals affected with ALMS1-related conditions. Experimental studies and prediction algorithms are not available or were not evaluated, and the functional significance of this variant is currently unknown. In summary, the available evidence is currently insufficient to determine the role of this variant in disease. Therefore, it has been classified as a Variant of Uncertain Significance.